The following is an entry in ClinVar:

ClinVar aggregate classification (germline): Uncertain significance (1 of 4 stars; one submission).

Submission:

GeneDx
Classification: Uncertain significance. Last evaluated: 2022-03-30. Review status: criteria provided, single submitter. Criteria: GeneDx Variant Classification Process June 2021. Collection method: clinical testing. Allele origin: germline. Affected: yes.
Comment: Not observed at significant frequency in large population cohorts (gnomAD); Missense variant in a gene in which most reported pathogenic variants are truncating/loss of function; Has not been previously published as pathogenic or benign to our knowledge

NM_001267550.2(TTN):c.53056G>C (p.Ala17686Pro)

Genes: TTN (titin; minus strand), TTN-AS1 (TTN antisense RNA 1; plus strand), LOC126806425 (BRD4-independent group 4 enhancer GRCh37_chr2:179471933-179473132; plus strand). Cytogenetic location: 2q31.2.
Variant type: single nucleotide variant.
Coding change: c.53056G>C on transcript NM_001267550.2 (MANE Select); coding-DNA position 53056, G replaced by C.
Protein change: p.Ala17686Pro; replaces alanine 17686 with proline.
Molecular consequence: missense variant.
Genome position (GRCh38, 1-based): chr2:178,607,632, C>G on the plus strand (G>C on the coding strand, the complement: TTN is on the minus strand). VCF-style: chr2-178607632-C-G. GRCh37 (hg19) VCF-style: chr2-179472359-C-G.
Other names: c.48133G>C, p.Ala16045Pro (NM_001256850.1); c.25861G>C, p.Ala8621Pro (NM_003319.4); c.45352G>C, p.Ala15118Pro (NM_133378.4); c.26236G>C, p.Ala8746Pro (NM_133432.3); c.26437G>C, p.Ala8813Pro (NM_133437.4); short protein forms A15118P, A16045P, A17686P, A8621P, A8746P, A8813P.
Identifiers: ClinVar variation 1707934 (VCV001707934.2), dbSNP rs1576364760, ClinGen allele CA349568587.
Genomic context (GRCh38, chr2:178,607,632, plus strand): 5'-ATACTTTTGTAGGTACAGGGCGACCAGTCACCACAGCTGGAATTCTAAGAGTCTTCCCAG[C>G]CATTATTTGTATTCCACCCTTGACAGAAACATCCAGTTCCACAGCTGGAGGCTCTGTTGA-3'
Protein context (NP_001254479.2, residues 17676-17696): VSVKGGIQIM[Ala17686Pro]GKTLRIPAVV